The following is an entry in ClinVar:

NM_014694.4(ADAMTSL2):c.1761G>A (p.Ala587=)

Gene: ADAMTSL2 (ADAMTS like 2; plus strand). Cytogenetic location: 9q34.2.
Variant type: single nucleotide variant.
Coding change: c.1761G>A on transcript NM_014694.4 (MANE Select); coding-DNA position 1761, G replaced by A.
Protein change: p.Ala587=; no amino-acid change (alanine 587 retained).
Molecular consequence: synonymous variant.
Genome position (GRCh38, 1-based): chr9:133,566,949, G>A. VCF-style: chr9-133566949-G-A. GRCh37 (hg19) VCF-style: chr9-136432071-G-A.
Other names: c.1761G>A, p.Ala587= (NM_001145320.2).
Identifiers: ClinVar variation 4872920 (VCV004872920.2).

ClinVar aggregate classification (germline): Likely benign (1 of 4 stars; one submission).

gnomAD v4.1: 88 of 1,608,382 alleles (0.0055%); highest among the groups gnomAD compares: African/African-American, 0.091%; no homozygotes.

Submission:

CeGaT Center for Human Genetics Tuebingen
Classification: Likely benign. Last evaluated: 2026-05-01. Review status: criteria provided, single submitter. Criteria: CeGaT Center For Human Genetics Tuebingen Variant Classification Criteria Version 2. Collection method: clinical testing. Allele origin: germline. Affected: yes. Observed: 1 variant allele.
Comment: ADAMTSL2: BP4, BP7